The following is an entry in ClinVar:

NM_000548.5(TSC2):c.1117C>T (p.Gln373Ter)

Gene: TSC2 (TSC complex subunit 2; plus strand). Cytogenetic location: 16p13.3.
Variant type: single nucleotide variant.
Coding change: c.1117C>T on transcript NM_000548.5 (MANE Select); coding-DNA position 1117, C replaced by T.
Protein change: p.Gln373Ter; replaces glutamine 373 with a stop codon.
Molecular consequence: nonsense.
Genome position (GRCh38, 1-based): chr16:2,060,811, C>T. VCF-style: chr16-2060811-C-T. GRCh37 (hg19) VCF-style: chr16-2110812-C-T.
Other names: c.1117C>T, p.Gln373Ter (NM_001077183.3, NM_001114382.3, NM_001363528.2 and 3 more transcripts); c.1006C>T, p.Gln336Ter (NM_001318827.2); c.970C>T, p.Gln324Ter (NM_001318829.2); c.517C>T, p.Gln173Ter (NM_001318831.2); c.1150C>T, p.Gln384Ter (NM_001318832.2); short protein forms Q373*, Q324*, Q336*, Q384*, Q173*.
Identifiers: ClinVar variation 49759 (VCV000049759.2), dbSNP rs45458694, ClinGen allele CA013824.

ClinVar aggregate classification (germline): Pathogenic. Review status: criteria provided, single submitter (1 of 4 stars). 2 submissions from 2 submitters: Pathogenic (1). 1 of the submissions does not count toward it. Last evaluated 2024-05-08.

Conditions:
Tuberous sclerosis syndrome (TSC). Also called: Tuberous Sclerosis Complex; Tuberous sclerosis. Identifiers: Orphanet 805, MedGen C0041341, MONDO:0001734.

Submissions (2):

GeneDx
Classification: Pathogenic. Last evaluated: 2024-05-08. Review status: criteria provided, single submitter. Criteria: GeneDx Variant Classification Process June 2021. Collection method: clinical testing. Allele origin: germline. Affected: yes.
Comment: Nonsense variant predicted to result in protein truncation or nonsense mediated decay in a gene for which loss of function is a known mechanism of disease; Not observed at significant frequency in large population cohorts (gnomAD); This variant is associated with the following publications: (PMID: 25525159, 16981987, Chen2011[article], 32211034, 15798777)

Tuberous sclerosis database (TSC2)
No classification provided. Condition: TSC. Review status: no classification provided. Criteria: Tuberous Sclerosis Database Assertion Criteria 2015. Collection method: curation. Allele origin: germline. Affected: yes. Not counted in ClinVar's aggregate classification.